The following is an entry in ClinVar:

ClinVar aggregate classification (germline): Conflicting classifications of pathogenicity. Review status: criteria provided, conflicting classifications (1 of 4 stars). 4 submissions from 4 submitters: Uncertain significance (2); Benign (1); Likely benign (1). Last evaluated 2026-08-06.

Conditions:
Floating-Harbor syndrome (FLHS). Also called: SRCAP-Related Floating-Harbor Syndrome; Short stature with delayed bone age, expressive language delay, a triangular face with a prominent nose and deep-set eyes; Pelletier-Leisti syndrome. Identifiers: Orphanet 2044, MedGen C0729582, MONDO:0007621, OMIM 136140.
Developmental delay, hypotonia, musculoskeletal defects, and behavioral abnormalities. Identifiers: MedGen C5562012, MONDO:0859202, OMIM 619595.
Monogenic short statue.

Allele frequency attached by ClinVar (database versions not stated): ExAC 0.00001; gnomAD 0.00002; gnomAD exomes 0.00002; TOPMed 0.00003.
gnomAD v4.1: 101 of 1,613,168 alleles (0.0063%); highest among the groups gnomAD compares: Non-Finnish European, 0.008%; no homozygotes.

Submissions (4):

NHS Central & South Genomic Laboratory Hub
Classification: Uncertain significance for Monogenic short statue. Last evaluated: 2026-08-06. Review status: criteria provided, single submitter. Criteria: ACMG Guidelines, 2015. Collection method: clinical testing. Allele origin: germline. Affected: yes.

Labcorp Genetics (formerly Invitae), Labcorp
Classification: Uncertain significance. Last evaluated: 2025-05-14. Review status: criteria provided, single submitter. Criteria: Invitae Variant Classification Sherloc (09022015). Collection method: clinical testing. Allele origin: germline.
Comment: This sequence change replaces arginine, which is basic and polar, with tryptophan, which is neutral and slightly polar, at codon 1098 of the SRCAP protein (p.Arg1098Trp). This variant is present in population databases (rs556230791, gnomAD 0.006%). This variant has not been reported in the literature in individuals affected with SRCAP-related conditions. ClinVar contains an entry for this variant (Variation ID: 599466). Invitae Evidence Modeling of protein sequence and biophysical properties (such as structural, functional, and spatial information, amino acid conservation, physicochemical variation, residue mobility, and thermodynamic stability) indicates that this missense variant is not expected to disrupt SRCAP protein function with a negative predictive value of 80%. In summary, the available evidence is currently insufficient to determine the role of this variant in disease. Therefore, it has been classified as a Variant of Uncertain Significance.

Fulgent Genetics
Classification: Likely benign for Floating-Harbor syndrome; Developmental delay, hypotonia, musculoskeletal defects, and behavioral abnormalities. Last evaluated: 2021-12-28. Review status: criteria provided, single submitter. Criteria: ACMG Guidelines, 2015. Collection method: clinical testing. Allele origin: unknown.

Institute for Genomic Medicine (IGM) Clinical Laboratory, Nationwide Children's Hospital
Classification: Benign. Last evaluated: 2017-07-17. Review status: criteria provided, single submitter. Criteria: ACMG Guidelines, 2015. Collection method: clinical testing. Allele origin: germline.
Comment: BS1, BS2, BP1; This alteration has an allele frequency that is greater than expected for the associated disease, was seen in a healthy adult where full penetrance of the disorder is expected at an early age, and is a missense alteration in a gene for which primarily truncating variants are known to cause disease.

NM_006662.3(SRCAP):c.3292C>T (p.Arg1098Trp)

Gene: SRCAP (Snf2 related CREBBP activator protein; plus strand). Cytogenetic location: 16p11.2.
Variant type: single nucleotide variant.
Coding change: c.3292C>T on transcript NM_006662.3 (MANE Select); coding-DNA position 3292, C replaced by T.
Protein change: p.Arg1098Trp; replaces arginine 1098 with tryptophan.
Molecular consequence: missense variant.
Genome position (GRCh38, 1-based): chr16:30,721,227, C>T. VCF-style: chr16-30721227-C-T. GRCh37 (hg19) VCF-style: chr16-30732548-C-T.
Other names: short protein forms R1098W.
Identifiers: ClinVar variation 599466 (VCV000599466.10), dbSNP rs556230791, ClinGen allele CA8011461.
Genomic context (GRCh38, chr16:30,721,227, plus strand): 5'-GGTGTTTGCTTTGTGTCTGCAGTGTTGCCATCCCCCCTGGGGGTCCTGAGTGGGACCTCA[C>T]GGCCTCCCACGCCAACCTTGTCCCTAAAGCCAACACCACCTGCCCCAGTTCGCCTGAGCC-3'
Protein context (NP_006653.2, residues 1088-1108): SPLGVLSGTS[Arg1098Trp]PPTPTLSLKP